The following is an entry in ClinVar:

ClinVar aggregate classification (germline): Uncertain significance (1 of 4 stars; one submission).

Submission:

GeneDx
Classification: Uncertain significance. Last evaluated: 2019-06-25. Review status: criteria provided, single submitter. Criteria: GeneDx Variant Classification Process June 2021. Collection method: clinical testing. Allele origin: germline. Affected: yes.
Comment: Not observed in large population cohorts (Lek et al., 2016); In silico analysis, which includes protein predictors and evolutionary conservation, supports that this variant does not alter protein structure/function; Has not been previously published as pathogenic or benign to our knowledge

NM_003797.5(EED):c.550A>C (p.Lys184Gln)

Gene: EED (embryonic ectoderm development; plus strand). Cytogenetic location: 11q14.2.
Variant type: single nucleotide variant.
Coding change: c.550A>C on transcript NM_003797.5 (MANE Select); coding-DNA position 550, A replaced by C.
Protein change: p.Lys184Gln; replaces lysine 184 with glutamine.
Molecular consequence: missense variant.
Genome position (GRCh38, 1-based): chr11:86,256,510, A>C. VCF-style: chr11-86256510-A-C. GRCh37 (hg19) VCF-style: chr11-85967552-A-C.
Other names: c.550A>C, p.Lys184Gln (NM_001308007.2, NM_001330334.2); short protein forms K184Q.
Identifiers: ClinVar variation 1306350 (VCV001306350.2), dbSNP rs2138158819, ClinGen allele CA382004149.